The following is an entry in ClinVar:

ClinVar aggregate classification (germline): Pathogenic/Likely pathogenic. Review status: criteria provided, multiple submitters, no conflicts (2 of 4 stars). 2 submissions from 2 submitters: Pathogenic (1); Likely pathogenic (1). Last evaluated 2024-04-03.

Conditions:
Osteogenesis imperfecta (OI). Identifiers: Orphanet 666, MedGen C0029434, MeSH D010013, MONDO:0019019.
Osteogenesis imperfecta with normal sclerae, dominant form (OI4). Also called: Osteogenesis Imperfecta Type IV; Osteogenesis imperfecta type 4; OSTEOGENESIS IMPERFECTA, TYPE IV, WITH DENTINOGENESIS IMPERFECTA; OSTEOGENESIS IMPERFECTA WITH NORMAL SCLERAE; Common Variable Osteogenesis Imperfecta with Normal Sclerae. Identifiers: Orphanet 216820, Orphanet 666, MedGen C0268363, MONDO:0008148, OMIM 166220.
Osteogenesis imperfecta type I (OI1). Also called: Lobstein disease; Osteogenesis imperfecta type 1; Lobstein's Disease; OI, TYPE I; OSTEOGENESIS IMPERFECTA TARDA; OSTEOGENESIS IMPERFECTA WITH BLUE SCLERAE. Identifiers: Orphanet 216796, Orphanet 666, MedGen C0023931, MONDO:0008146, OMIM 166200. Disease mechanism: loss of function.

Submissions (2):

Labcorp Genetics (formerly Invitae), Labcorp
Classification: Pathogenic for Osteogenesis imperfecta type I. Last evaluated: 2024-04-03. Review status: criteria provided, single submitter. Criteria: Invitae Variant Classification Sherloc (09022015). Collection method: clinical testing. Allele origin: germline.
Comment: This sequence change replaces glycine, which is neutral and non-polar, with aspartic acid, which is acidic and polar, at codon 260 of the COL1A1 protein (p.Gly260Asp). This variant is not present in population databases (gnomAD no frequency). This missense change has been observed in individuals with clinical features of osteogenesis imperfecta (PMID: 27509835; Invitae). ClinVar contains an entry for this variant (Variation ID: 1382447). Advanced modeling of protein sequence and biophysical properties (such as structural, functional, and spatial information, amino acid conservation, physicochemical variation, residue mobility, and thermodynamic stability) performed at Invitae indicates that this missense variant is expected to disrupt COL1A1 protein function with a positive predictive value of 95%. This variant disrupts the triple helix domain of COL1A1. Glycine residues within the Gly-Xaa-Yaa repeats of the triple helix domain are required for the structure and stability of fibrillar collagens (PMID: 7695699, 8218237, 19344236). In COL1A1, variants affecting these glycine residues are significantly enriched in individuals with disease (PMID: 9016532, 17078022) compared to the general population (ExAC). For these reasons, this variant has been classified as Pathogenic.

3billion
Classification: Likely pathogenic for Osteogenesis imperfecta with normal sclerae, dominant form. Last evaluated: 2022-05-22. Review status: criteria provided, single submitter. Criteria: ACMG Guidelines, 2015. Collection method: clinical testing. Allele origin: germline. Affected: yes. Observed: 1 heterozygote.
Comment: The variant is not observed in the gnomAD v2.1.1 dataset. The variant is located in a mutational hot spot and/or well-established functional domain in which established pathogenic variants have been reported. Missense changes are a common disease-causing mechanism. In silico tool predictions suggest damaging effect of the variant on gene or gene product (REVEL: 1.00; 3Cnet: 0.98). Same nucleotide change resulting in same amino acid change has been previously reported to be associated with COL1A1 related disorder (PMID: 27509835). A different missense change at the same codon (p.Gly260Val) has been reported to be associated with COL1A1 related disorder (ClinVar ID: VCV000664182). Therefore, this variant is classified as likely pathogenic according to the recommendation of ACMG/AMP guideline.

Literature cited by the submitters: PubMed 27509835 (cited by Labcorp Genetics (formerly Invitae), Labcorp and 3billion); PubMed 7695699 (cited by Labcorp Genetics (formerly Invitae), Labcorp); PubMed 8218237 (cited by Labcorp Genetics (formerly Invitae), Labcorp); PubMed 19344236 (cited by Labcorp Genetics (formerly Invitae), Labcorp); PubMed 9016532 (cited by Labcorp Genetics (formerly Invitae), Labcorp); PubMed 17078022 (cited by Labcorp Genetics (formerly Invitae), Labcorp).

NM_000088.4(COL1A1):c.779G>A (p.Gly260Asp)

Genes: COL1A1 (collagen type I alpha 1 chain; minus strand), LOC126862586 (CDK7 strongly-dependent group 2 enhancer GRCh37_chr17:48273702-48274901; plus strand). Cytogenetic location: 17q21.33.
Variant type: single nucleotide variant.
Coding change: c.779G>A on transcript NM_000088.4 (MANE Select); coding-DNA position 779, G replaced by A.
Protein change: p.Gly260Asp; replaces glycine 260 with aspartic acid.
Molecular consequence: missense variant.
Genome position (GRCh38, 1-based): chr17:50,197,035, C>T on the plus strand (G>A on the coding strand, the complement: COL1A1 is on the minus strand). VCF-style: chr17-50197035-C-T. GRCh37 (hg19) VCF-style: chr17-48274396-C-T.
Other names: c.779G>A (NM_000088.3); short protein forms G260D.
Identifiers: ClinVar variation 1382447 (VCV001382447.10), dbSNP rs1598299070, ClinGen allele CA400223823.
Genomic context (GRCh38, chr17:50,197,035, plus strand): 5'-ACTTGGGGAGCTTAAATGACTCAAAGGTGACTCACTCTGTGTCCCTTCATTCCAGGGAGG[C>T]CAGCTGTTCCGGGCAATCCTCGAGCACCCTGGAGAGAGATGAAGAAGACAAGGAAGGGCC-3'
Protein context (NP_000079.2, residues 250-270): QGARGLPGTA[Gly260Asp]LPGMKGHRGF